The following is an entry in ClinVar:

NM_015057.5(MYCBP2):c.11584C>T (p.Leu3862=)

Genes: MYCBP2 (MYC binding protein 2; minus strand), MYCBP2-AS1 (MYCBP2 antisense RNA 1; plus strand). Cytogenetic location: 13q22.3.
Variant type: single nucleotide variant.
Coding change: c.11584C>T on transcript NM_015057.5 (MANE Select); coding-DNA position 11584, C replaced by T.
Protein change: p.Leu3862=; no amino-acid change (leucine 3862 retained).
Molecular consequence: synonymous variant.
Genome position (GRCh38, 1-based): chr13:77,077,288, G>A on the plus strand (C>T on the coding strand, the complement: MYCBP2 is on the minus strand). VCF-style: chr13-77077288-G-A. GRCh37 (hg19) VCF-style: chr13-77651423-G-A.
Identifiers: ClinVar variation 3053154 (VCV003053154.2), dbSNP rs2502796973, ClinGen allele CA484338667.

ClinVar aggregate classification (germline): Likely benign (0 of 4 stars; one submission).

Conditions:
MYCBP2-related disorder. Also called: MYCBP2-related condition.

Submission:

PreventionGenetics, part of Exact Sciences
Classification: Likely benign for MYCBP2-related condition. Last evaluated: 2019-08-16. Review status: no assertion criteria provided. Collection method: clinical testing. Allele origin: germline.
Comment: This variant is classified as likely benign based on ACMG/AMP sequence variant interpretation guidelines (Richards et al. 2015 PMID: 25741868, with internal and published modifications).